The following is an entry in ClinVar:

NM_016247.4(IMPG2):c.598G>T (p.Val200Phe)

Gene: IMPG2 (interphotoreceptor matrix proteoglycan 2; minus strand). Cytogenetic location: 3q12.3.
Variant type: single nucleotide variant.
Coding change: c.598G>T on transcript NM_016247.4 (MANE Select); coding-DNA position 598, G replaced by T.
Protein change: p.Val200Phe; replaces valine 200 with phenylalanine.
Molecular consequence: missense variant.
Genome position (GRCh38, 1-based): chr3:101,275,731, C>A on the plus strand (G>T on the coding strand, the complement: IMPG2 is on the minus strand). VCF-style: chr3-101275731-C-A. GRCh37 (hg19) VCF-style: chr3-100994575-C-A.
Other names: short protein forms V200F.
Identifiers: ClinVar variation 2106328 (VCV002106328.4), dbSNP rs781181258, ClinGen allele CA353868352.

ClinVar aggregate classification (germline): Uncertain significance (1 of 4 stars; one submission).

Submission:

Labcorp Genetics (formerly Invitae), Labcorp
Classification: Uncertain significance. Last evaluated: 2022-03-04. Review status: criteria provided, single submitter. Criteria: Invitae Variant Classification Sherloc (09022015). Collection method: clinical testing. Allele origin: germline.
Comment: This variant has not been reported in the literature in individuals affected with IMPG2-related conditions. This variant is not present in population databases (gnomAD no frequency). This sequence change replaces valine, which is neutral and non-polar, with phenylalanine, which is neutral and non-polar, at codon 200 of the IMPG2 protein (p.Val200Phe). Algorithms developed to predict the effect of missense changes on protein structure and function are either unavailable or do not agree on the potential impact of this missense change (SIFT: "Deleterious"; PolyPhen-2: "Benign"; Align-GVGD: "Class C0"). In summary, the available evidence is currently insufficient to determine the role of this variant in disease. Therefore, it has been classified as a Variant of Uncertain Significance.